The following is an entry in ClinVar:

NM_000094.4(COL7A1):c.7079G>A (p.Gly2360Glu)

Gene: COL7A1 (collagen type VII alpha 1 chain; minus strand). Cytogenetic location: 3p21.31.
Variant type: single nucleotide variant.
Coding change: c.7079G>A on transcript NM_000094.4 (MANE Select); coding-DNA position 7079, G replaced by A.
Protein change: p.Gly2360Glu; replaces glycine 2360 with glutamic acid.
Molecular consequence: missense variant.
Genome position (GRCh38, 1-based): chr3:48,571,268, C>T on the plus strand (G>A on the coding strand, the complement: COL7A1 is on the minus strand). VCF-style: chr3-48571268-C-T. GRCh37 (hg19) VCF-style: chr3-48608701-C-T.
Other names: short protein forms G2360E.
Identifiers: ClinVar variation 4535553 (VCV004535553.3).

ClinVar aggregate classification (germline): Uncertain significance (1 of 4 stars; one submission).

Submission:

Women's Health and Genetics/Laboratory Corporation of America, LabCorp
Classification: Uncertain significance. Last evaluated: 2026-01-15. Review status: criteria provided, single submitter. Criteria: LabCorp Variant Classification Summary - May 2015. Collection method: clinical testing. Allele origin: germline.
Comment: Variant summary: COL7A1 c.7079G>A (p.Gly2360Glu) results in a non-conservative amino acid change in the encoded protein sequence. Algorithms developed to predict the effect of missense changes on protein structure and function all suggest that this variant is likely to be disruptive. The variant was absent in 251376 control chromosomes. To our knowledge, no occurrence of c.7079G>A in individuals affected with COL7A1-related conditions and no experimental evidence demonstrating its impact on protein function have been reported. Other variants affecting the same amino acid (c.7079G>C, p.Gly2360Ala; c.7078G>A, p.Gly2360Arg) have been classified on the pathogenic spectrum, suggesting a critical role of codon 2360 in COL7A1 protein function.No submitters have cited clinical-significance assessments for this variant to ClinVar. Based on the evidence outlined above, the variant was classified as VUS-possibly pathogenic.